The following is an entry in ClinVar:

ClinVar aggregate classification (germline): Conflicting classifications of pathogenicity. Review status: criteria provided, conflicting classifications (1 of 4 stars). 4 submissions from 4 submitters: Uncertain significance (1); Likely benign (1). 2 of the submissions do not count toward it. Last evaluated 2025-12-30.

Conditions:
PEX6-related disorder. Also called: PEX6-related disorders; PEX6-related condition.
Zellweger spectrum disorders (ZS). Also called: Zellweger Spectrum Disorder; Zellweger Spectrum; Zellweger Spectrum Disorder (ZSD); Zellweger syndrome. Identifiers: Orphanet 912, MedGen C0043459, MONDO:0019609.
Peroxisome biogenesis disorder. Identifiers: Orphanet 79189, MedGen C1832200, MONDO:0019234. Disease mechanism: loss of function.

Allele frequency attached by ClinVar (database versions not stated): ExAC 0.00001; gnomAD exomes 0.00002 and 0.00001; gnomAD 0.00013 and 0.00015; ESP Exome Variant Server 0.00031; TOPMed 0.00017.
gnomAD v4.1: 32 of 1,605,812 alleles (0.002%); highest among the groups gnomAD compares: African/African-American, 0.032%; no homozygotes.

Submissions (4):

Labcorp Genetics (formerly Invitae), Labcorp
Classification: Likely benign for Peroxisome biogenesis disorder. Last evaluated: 2025-12-30. Review status: criteria provided, single submitter. Criteria: Invitae Variant Classification Sherloc (09022015). Collection method: clinical testing. Allele origin: germline.

Revvity Omics, Revvity
Classification: Uncertain significance. Last evaluated: 2022-06-10. Review status: criteria provided, single submitter. Criteria: ACMG Guidelines, 2015. Collection method: clinical testing. Allele origin: germline.

PreventionGenetics, part of Exact Sciences
Classification: Likely benign for PEX6-related condition. Last evaluated: 2024-07-14. Review status: no assertion criteria provided. Collection method: clinical testing. Allele origin: germline. Not counted in ClinVar's aggregate classification.
Comment: This variant is classified as likely benign based on ACMG/AMP sequence variant interpretation guidelines (Richards et al. 2015 PMID: 25741868, with internal and published modifications).

Natera, Inc.
Classification: Uncertain significance for Zellweger syndrome. Last evaluated: 2020-03-20. Review status: no assertion criteria provided. Collection method: clinical testing. Allele origin: germline. Not counted in ClinVar's aggregate classification.

NM_000287.4(PEX6):c.543G>A (p.Val181=)

Gene: PEX6 (peroxisomal biogenesis factor 6; minus strand). Cytogenetic location: 6p21.1.
Variant type: single nucleotide variant.
Coding change: c.543G>A on transcript NM_000287.4 (MANE Select); coding-DNA position 543, G replaced by A.
Protein change: p.Val181=; no amino-acid change (valine 181 retained).
Molecular consequence: synonymous variant. On other transcripts: non-coding transcript variant (1).
Genome position (GRCh38, 1-based): chr6:42,978,608, C>T on the plus strand (G>A on the coding strand, the complement: PEX6 is on the minus strand). VCF-style: chr6-42978608-C-T. GRCh37 (hg19) VCF-style: chr6-42946346-C-T.
Other names: c.543G>A, p.Val181= (NM_001316313.2).
Identifiers: ClinVar variation 951387 (VCV000951387.12), dbSNP rs368560418, ClinGen allele CA3811606.